The following is an entry in ClinVar:

NM_001148.6(ANK2):c.1722A>C (p.Gly574=)

Gene: ANK2 (ankyrin 2; plus strand). Cytogenetic location: 4q26.
Variant type: single nucleotide variant.
Coding change: c.1722A>C on transcript NM_001148.6 (MANE Select); coding-DNA position 1722, A replaced by C.
Protein change: p.Gly574=; no amino-acid change (glycine 574 retained).
Molecular consequence: synonymous variant.
Genome position (GRCh38, 1-based): chr4:113,277,875, A>C. VCF-style: chr4-113277875-A-C. GRCh37 (hg19) VCF-style: chr4-114199031-A-C.
Other names: c.1659A>C, p.Gly553= (NM_001127493.3, NM_001354239.2, NM_001354243.2 and 14 more transcripts); c.1722A>C, p.Gly574= (NM_001354225.2, NM_001354228.2, NM_001354232.2 and 8 more transcripts); c.1767A>C, p.Gly589= (NM_001354230.2, NM_001354231.2, NM_001354237.2 and 5 more transcripts); c.1635A>C, p.Gly545= (NM_001354249.2, NM_001354260.2, NM_001354264.2 and 13 more transcripts); c.1680A>C, p.Gly560= (NM_001354261.2, NM_001386147.1, NM_001386160.1); c.1512A>C, p.Gly504= (NM_001354269.3); c.1524A>C, p.Gly508= (NM_001354273.2); c.1437A>C, p.Gly479= (NM_001354277.2, NM_001386157.1, NM_001386158.1); and 5 more.
Identifiers: ClinVar variation 1588847 (VCV001588847.13), dbSNP rs754496484, ClinGen allele CA3050359.

ClinVar aggregate classification (germline): Likely benign. Review status: criteria provided, multiple submitters, no conflicts (2 of 4 stars). 4 submissions from 4 submitters: Likely benign (4). Last evaluated 2026-09-21.

Conditions:
Cardiovascular phenotype. Identifiers: MedGen CN230736.
Long QT syndrome (LQTS). Identifiers: MedGen C0023976, MeSH D008133, MONDO:0002442. Disease mechanism: loss of function. Inheritance: Various modes of inheritance.

Allele frequency attached by ClinVar (database versions not stated): TOPMed 0.00008; ExAC 0.00002; gnomAD exomes 0.00001; gnomAD 0.00004.
gnomAD v4.1: 10 of 1,614,000 alleles (0.00062%); highest among the groups gnomAD compares: African/African-American, 0.012%; no homozygotes.

Submissions (4):

Molecular Diagnostic Laboratory for Inherited Cardiovascular Disease, Montreal Heart Institute
Classification: Likely benign. Last evaluated: 2026-09-21. Review status: criteria provided, single submitter. Criteria: ACMG Guidelines, 2015. Collection method: clinical testing. Allele origin: germline. Affected: no.
Comment: BP7

Labcorp Genetics (formerly Invitae), Labcorp
Classification: Likely benign for Long QT syndrome. Last evaluated: 2025-07-03. Review status: criteria provided, single submitter. Criteria: Invitae Variant Classification Sherloc (09022015). Collection method: clinical testing. Allele origin: germline.

Women's Health and Genetics/Laboratory Corporation of America, LabCorp
Classification: Likely benign. Last evaluated: 2024-11-29. Review status: criteria provided, single submitter. Criteria: LabCorp Variant Classification Summary - May 2015. Collection method: clinical testing. Allele origin: germline.

Ambry Genetics
Classification: Likely benign for Cardiovascular phenotype. Last evaluated: 2020-09-13. Review status: criteria provided, single submitter. Criteria: Ambry Variant Classification Scheme 2023. Collection method: clinical testing. Allele origin: germline.